The following is an entry in ClinVar:

ClinVar aggregate classification (germline): Uncertain significance (1 of 4 stars; one submission).

gnomAD v4.1: 1 of 1,613,894 alleles (0.000062%); highest among the groups gnomAD compares: Non-Finnish European, 0.000085%; no homozygotes.

Submission:

GeneDx
Classification: Uncertain significance. Last evaluated: 2025-03-03. Review status: criteria provided, single submitter. Criteria: GeneDx Variant Classification Process June 2021. Collection method: clinical testing. Allele origin: germline. Affected: yes.
Comment: Not observed at significant frequency in large population cohorts (gnomAD); In silico analysis supports that this missense variant has a deleterious effect on protein structure/function; Has not been previously published as pathogenic or benign to our knowledge

NM_001103.4(ACTN2):c.410T>C (p.Ile137Thr)

Gene: ACTN2 (actinin alpha 2; plus strand). Cytogenetic location: 1q43.
Variant type: single nucleotide variant.
Coding change: c.410T>C on transcript NM_001103.4 (MANE Select); coding-DNA position 410, T replaced by C.
Protein change: p.Ile137Thr; replaces isoleucine 137 with threonine.
Molecular consequence: missense variant. On other transcripts: non-coding transcript variant (1).
Genome position (GRCh38, 1-based): chr1:236,720,153, T>C. VCF-style: chr1-236720153-T-C. GRCh37 (hg19) VCF-style: chr1-236883453-T-C.
Other names: c.410T>C, p.Ile137Thr (NM_001278343.2); short protein forms I137T.
Identifiers: ClinVar variation 4082901 (VCV004082901.1).
Genomic context (GRCh38, chr1:236,720,153, plus strand): 5'-TCTTACCTGCAGAAATTGTTGATGGCAACGTGAAAATGACCCTGGGTATGATCTGGACCA[T>C]CATCCTTCGCTTTGCTATTCAGGATATTTCGGTTGAAGGTAAAAGACATGGTTAAAAGTC-3'
Protein context (NP_001094.1, residues 127-147): VKMTLGMIWT[Ile137Thr]ILRFAIQDIS